The following is an entry in ClinVar:

ClinVar aggregate classification (germline): Uncertain significance (1 of 4 stars; one submission).

Conditions:
Hereditary cancer-predisposing syndrome. Also called: Tumor predisposition; Neoplastic Syndromes, Hereditary; Hereditary Cancer Syndrome; Hereditary neoplastic syndrome. Identifiers: Orphanet 140162, MedGen C0027672, MeSH D009386, MONDO:0015356.

Submission:

Ambry Genetics
Classification: Uncertain significance for Hereditary cancer-predisposing syndrome. Last evaluated: 2024-09-22. Review status: criteria provided, single submitter. Criteria: Ambry Variant Classification Scheme 2023. Collection method: clinical testing. Allele origin: germline.
Comment: The p.A289P variant (also known as c.865G>C), located in coding exon 7 of the CDH1 gene, results from a G to C substitution at nucleotide position 865. The alanine at codon 289 is replaced by proline, an amino acid with highly similar properties. This amino acid position is conserved. In addition, the in silico prediction for this alteration is inconclusive. Based on the available evidence, the clinical significance of this variant remains unclear.

NM_004360.5(CDH1):c.865G>C (p.Ala289Pro)

Gene: CDH1 (cadherin 1; plus strand). Cytogenetic location: 16q22.1.
Variant type: single nucleotide variant.
Coding change: c.865G>C on transcript NM_004360.5 (MANE Select); coding-DNA position 865, G replaced by C.
Protein change: p.Ala289Pro; replaces alanine 289 with proline.
Molecular consequence: missense variant. On other transcripts: 5 prime UTR variant (2).
Genome position (GRCh38, 1-based): chr16:68,811,716, G>C. VCF-style: chr16-68811716-G-C. GRCh37 (hg19) VCF-style: chr16-68845619-G-C.
Other names: c.865G>C, p.Ala289Pro (NM_001317184.2); c.-751G>C (NM_001317185.2); c.-955G>C (NM_001317186.2); short protein forms A289P.
Identifiers: ClinVar variation 3488657 (VCV003488657.1).